The following is an entry in ClinVar:

ClinVar aggregate classification (germline): Uncertain significance. Review status: criteria provided, multiple submitters, no conflicts (2 of 4 stars). 3 submissions from 3 submitters: Uncertain significance (3). Last evaluated 2024-11-22.

Conditions:
Short stature due to primary acid-labile subunit deficiency. Also called: Acid-labile subunit deficiency; Acid-labile subunit, deficiency of. Identifiers: Orphanet 140941, MedGen C3900122, MONDO:0014420, OMIM 615961.

Allele frequency attached by ClinVar (database versions not stated): ESP Exome Variant Server 0.00015; 1000 Genomes Project 30x 0.00016; gnomAD exomes 0.00016; ExAC 0.00019; TOPMed 0.00025; gnomAD 0.00029 and 0.00030.
gnomAD v4.1: 257 of 1,611,466 alleles (0.016%); highest among the groups gnomAD compares: Middle Eastern, 0.25%; no homozygotes.

Submissions (3):

Blueprint Genetics
Classification: Uncertain significance. Last evaluated: 2024-11-22. Review status: criteria provided, single submitter. Criteria: ACMG Guidelines, 2015. Collection method: clinical testing. Allele origin: germline.

Baylor Genetics
Classification: Uncertain significance for Short stature due to primary acid-labile subunit deficiency. Last evaluated: 2018-06-09. Review status: criteria provided, single submitter. Criteria: ACMG Guidelines, 2015. Collection method: clinical testing. Allele origin: paternal. Affected: yes.
Comment: This variant was determined to be of uncertain significance according to ACMG Guidelines, 2015 [PMID:25741868].

Breakthrough Genomics
Classification: Uncertain significance. Review status: criteria provided, single submitter. Criteria: ACMG Guidelines, 2015. Collection method: not provided. Allele origin: germline. Inheritance: Autosomal recessive inheritance. Affected: yes.

NM_004970.3(IGFALS):c.260C>T (p.Ser87Leu)

Gene: IGFALS (insulin like growth factor binding protein acid labile subunit; minus strand). Cytogenetic location: 16p13.3.
Variant type: single nucleotide variant.
Coding change: c.260C>T on transcript NM_004970.3 (MANE Select); coding-DNA position 260, C replaced by T.
Protein change: p.Ser87Leu; replaces serine 87 with leucine.
Molecular consequence: missense variant. On other transcripts: non-coding transcript variant (1).
Genome position (GRCh38, 1-based): chr16:1,792,158, G>A on the plus strand (C>T on the coding strand, the complement: IGFALS is on the minus strand). VCF-style: chr16-1792158-G-A. GRCh37 (hg19) VCF-style: chr16-1842159-G-A.
Other names: c.374C>T, p.Ser125Leu (NM_001146006.2); short protein forms S125L, S87L.
Identifiers: ClinVar variation 1031486 (VCV001031486.3), dbSNP rs147229137, ClinGen allele CA7820647.